The following is an entry in ClinVar:

ClinVar aggregate classification (germline): Uncertain significance. Review status: criteria provided, multiple submitters, no conflicts (2 of 4 stars). 3 submissions from 3 submitters: Uncertain significance (3). Last evaluated 2026-01-20.

Conditions:
EP300-related disorder. Also called: EP300-related condition; EP300-related disorders.
Inborn genetic diseases. Identifiers: MedGen C0950123, MeSH D030342.
Rubinstein-Taybi syndrome due to EP300 haploinsufficiency. Also called: EP300-Related Rubinstein-Taybi Syndrome; RUBINSTEIN-TAYBI SYNDROME 2. Identifiers: Orphanet 353284, Orphanet 783, MedGen C3150941, MONDO:0013364, OMIM 613684.

Allele frequency attached by ClinVar (database versions not stated): gnomAD exomes below 0.00001; ExAC 0.00001; TOPMed 0.00002; ESP Exome Variant Server 0.00008.
gnomAD v4.1: 2 of 1,614,100 alleles (0.00012%); highest among the groups gnomAD compares: African/African-American, 0.0013%; no homozygotes.

Submissions (3):

PreventionGenetics, part of Exact Sciences
Classification: Uncertain significance for EP300-related condition. Last evaluated: 2026-01-20. Review status: criteria provided, single submitter. Criteria: ACMG Guidelines, 2015. Collection method: clinical testing. Allele origin: germline.
Comment: The EP300 c.5411C>T variant is predicted to result in the amino acid substitution p.Pro1804Leu. To our knowledge, this variant has not been reported in the literature. This variant is reported in 0.0062% of alleles in individuals of African descent in gnomAD. At this time, the clinical significance of this variant is uncertain due to the absence of conclusive functional and genetic evidence.

Ambry Genetics
Classification: Uncertain significance for Inborn genetic diseases. Last evaluated: 2025-12-02. Review status: criteria provided, single submitter. Criteria: Ambry Variant Classification Scheme 2023. Collection method: clinical testing. Allele origin: germline.

Labcorp Genetics (formerly Invitae), Labcorp
Classification: Uncertain significance for Rubinstein-Taybi syndrome due to EP300 haploinsufficiency. Last evaluated: 2023-11-06. Review status: criteria provided, single submitter. Criteria: Invitae Variant Classification Sherloc (09022015). Collection method: clinical testing. Allele origin: germline.
Comment: This sequence change replaces proline, which is neutral and non-polar, with leucine, which is neutral and non-polar, at codon 1804 of the EP300 protein (p.Pro1804Leu). This variant is present in population databases (rs371065099, gnomAD 0.007%). This variant has not been reported in the literature in individuals affected with EP300-related conditions. Advanced modeling of protein sequence and biophysical properties (such as structural, functional, and spatial information, amino acid conservation, physicochemical variation, residue mobility, and thermodynamic stability) performed at Invitae indicates that this missense variant is expected to disrupt EP300 protein function with a positive predictive value of 80%. In summary, the available evidence is currently insufficient to determine the role of this variant in disease. Therefore, it has been classified as a Variant of Uncertain Significance.

NM_001429.4(EP300):c.5411C>T (p.Pro1804Leu)

Gene: EP300 (EP300 lysine acetyltransferase; plus strand). Cytogenetic location: 22q13.2.
Variant type: single nucleotide variant.
Coding change: c.5411C>T on transcript NM_001429.4 (MANE Select); coding-DNA position 5411, C replaced by T.
Protein change: p.Pro1804Leu; replaces proline 1804 with leucine.
Molecular consequence: missense variant.
Genome position (GRCh38, 1-based): chr22:41,177,122, C>T. VCF-style: chr22-41177122-C-T. GRCh37 (hg19) VCF-style: chr22-41573126-C-T.
Other names: c.5333C>T, p.Pro1778Leu (NM_001362843.2); c.5411C>T (NM_001429.3); short protein forms P1804L, P1778L.
Identifiers: ClinVar variation 2757630 (VCV002757630.5), dbSNP rs371065099, ClinGen allele CA10253631.